The following is an entry in ClinVar:

ClinVar aggregate classification (germline): Uncertain significance (1 of 4 stars; one submission).

Conditions:
Inborn genetic diseases. Identifiers: MedGen C0950123, MeSH D030342.

Submission:

Ambry Genetics
Classification: Uncertain significance for Inborn genetic diseases. Last evaluated: 2025-05-16. Review status: criteria provided, single submitter. Criteria: Ambry Variant Classification Scheme 2023. Collection method: clinical testing. Allele origin: germline.
Comment: The p.D600Y variant (also known as c.1798G>T), located in coding exon 14 of the DNMT3A gene, results from a G to T substitution at nucleotide position 1798. The aspartic acid at codon 600 is replaced by tyrosine, an amino acid with highly dissimilar properties. This amino acid position is conserved. In addition, this alteration is predicted to be deleterious by in silico analysis. Based on the available evidence, the clinical significance of this variant remains unclear.

NM_022552.5(DNMT3A):c.1798G>T (p.Asp600Tyr)

Gene: DNMT3A (DNA methyltransferase 3 alpha; minus strand). Cytogenetic location: 2p23.3.
Variant type: single nucleotide variant.
Coding change: c.1798G>T on transcript NM_022552.5 (MANE Select); coding-DNA position 1798, G replaced by T.
Protein change: p.Asp600Tyr; replaces aspartic acid 600 with tyrosine.
Molecular consequence: missense variant. On other transcripts: non-coding transcript variant (1).
Genome position (GRCh38, 1-based): chr2:25,244,208, C>A on the plus strand (G>T on the coding strand, the complement: DNMT3A is on the minus strand). VCF-style: chr2-25244208-C-A. GRCh37 (hg19) VCF-style: chr2-25467077-C-A.
Other names: c.1342G>T, p.Asp448Tyr (NM_001320893.1); c.1129G>T, p.Asp377Tyr (NM_001375819.1); c.1231G>T, p.Asp411Tyr (NM_153759.3); c.1798G>T, p.Asp600Tyr (NM_175629.2); short protein forms D411Y, D600Y, D377Y, D448Y.
Identifiers: ClinVar variation 4013930 (VCV004013930.1).